The following is an entry in ClinVar:

NM_005765.3(ATP6AP2):c.739-7C>A

Gene: ATP6AP2 (ATPase H+ transporting accessory protein 2; plus strand). Cytogenetic location: Xp11.4.
Variant type: single nucleotide variant.
Coding change: c.739-7C>A on transcript NM_005765.3 (MANE Select); 7 bases into the intron before coding-DNA position 739, C replaced by A.
Molecular consequence: intron variant.
Genome position (GRCh38, 1-based): chrX:40,600,755, C>A. VCF-style: chrX-40600755-C-A. GRCh37 (hg19) VCF-style: chrX-40460007-C-A.
Identifiers: ClinVar variation 1312312 (VCV001312312.2), dbSNP rs2146544167, ClinGen allele CA2573055315.

ClinVar aggregate classification (germline): Uncertain significance (1 of 4 stars; one submission).

Submission:

GeneDx
Classification: Uncertain significance. Last evaluated: 2019-09-24. Review status: criteria provided, single submitter. Criteria: GeneDx Variant Classification Process June 2021. Collection method: clinical testing. Allele origin: germline. Affected: yes.
Comment: Not observed in large population cohorts (Lek et al., 2016); Has not been previously published as pathogenic or benign to our knowledge; In-silico analysis, which includes splice predictors and evolutionary conservation, is inconclusive as to whether the variant alters gene splicing. In the absence of RNA/functional studies, the actual effect of this sequence change is unknown.